The following is an entry in ClinVar:

NM_004168.4(SDHA):c.1754G>A (p.Arg585Gln)

Gene: SDHA (succinate dehydrogenase complex flavoprotein subunit A; plus strand). Cytogenetic location: 5p15.33.
Variant type: single nucleotide variant.
Coding change: c.1754G>A on transcript NM_004168.4 (MANE Select); coding-DNA position 1754, G replaced by A.
Protein change: p.Arg585Gln; replaces arginine 585 with glutamine.
Molecular consequence: missense variant. On other transcripts: intron variant (1).
Genome position (GRCh38, 1-based): chr5:251,428, G>A. VCF-style: chr5-251428-G-A. GRCh37 (hg19) VCF-style: chr5-251543-G-A.
Other names: c.1610G>A, p.Arg537Gln (NM_001294332.2); c.1552-2965G>A (NM_001330758.2); short protein forms R585Q, R537Q.
Identifiers: ClinVar variation 239658 (VCV000239658.33), dbSNP rs752360961, ClinGen allele CA3173348.
Genomic context (GRCh38, chr5:251,428, plus strand): 5'-CCCTGGAGCTGCAGAACCTGATGCTGTGTGCGCTGCAGACCATCTACGGAGCAGAGGCAC[G>A]GAAGGAGTCACGGGGCGCGCATGCCAGGGAAGACTACAAGGTGGGCCTTCTCACCACGCC-3'
Protein context (NP_004159.2, residues 575-595): ALQTIYGAEA[Arg585Gln]KESRGAHARE

ClinVar aggregate classification (germline): Pathogenic/Likely pathogenic. Review status: criteria provided, multiple submitters, no conflicts (2 of 4 stars). 11 submissions from 11 submitters: Pathogenic (2); Likely pathogenic (7). 2 of the submissions do not count toward it. Last evaluated 2025-12-08.

Conditions:
Mitochondrial complex II deficiency, nuclear type 1. Also called: SUCCINATE CoQ REDUCTASE DEFICIENCY. Identifiers: Orphanet 3208, MedGen C5700310, MONDO:0100294, OMIM 252011.
Pheochromocytoma/paraganglioma syndrome 5. Also called: Paragangliomas 5; SDHA-Related Hereditary Paraganglioma-Pheochromocytoma Syndrome. Identifiers: Orphanet 29072, MedGen C3279992, MONDO:0013602, OMIM 614165.
Hereditary cancer-predisposing syndrome. Also called: Hereditary neoplastic syndrome; Hereditary Cancer Syndrome; Neoplastic Syndromes, Hereditary; Tumor predisposition. Identifiers: Orphanet 140162, MedGen C0027672, MeSH D009386, MONDO:0015356.
Gastrointestinal stromal tumor. Also called: Gastrointestinal stroma tumor; Gastrointestinal stromal tumor, somatic. Identifiers: Orphanet 44890, MedGen C0238198, MeSH D046152, MONDO:0011719, OMIM 606764, HP:0100723.
Dilated cardiomyopathy 1GG (CMD1GG). Identifiers: Orphanet 154, MedGen C3150898, MONDO:0013339, OMIM 613642.
Pheochromocytoma/paraganglioma syndrome 1. Also called: PARAGANGLIOMAS, FAMILIAL NONCHROMAFFIN, 1; PGL 1; Paragangliomas familial 1; PARAGANGLIOMATA; Paragangliomas 1; Glomus tumors familial 1. Identifiers: Orphanet 29072, MedGen C3494181, MONDO:0008192, OMIM 168000.

Allele frequency attached by ClinVar (database versions not stated): gnomAD exomes below 0.00001 and 0.00001; ExAC 0.00001; gnomAD 0.00001; TOPMed 0.00001.

Submissions (11):

Labcorp Genetics (formerly Invitae), Labcorp
Classification: Pathogenic for Pheochromocytoma/paraganglioma syndrome 5; Mitochondrial complex II deficiency, nuclear type 1. Last evaluated: 2025-12-08. Review status: criteria provided, single submitter. Criteria: Invitae Variant Classification Sherloc (09022015). Collection method: clinical testing. Allele origin: germline.
Comment: This sequence change replaces arginine, which is basic and polar, with glutamine, which is neutral and polar, at codon 585 of the SDHA protein (p.Arg585Gln). This variant is present in population databases (rs752360961, gnomAD 0.003%). This missense change has been observed in individuals with paragangliomas and pheochromocytomas or gastrointestinal stromal tumor (PMID: 26269449, 30877234; internal data). ClinVar contains an entry for this variant (Variation ID: 239658). Invitae Evidence Modeling of protein sequence and biophysical properties (such as structural, functional, and spatial information, amino acid conservation, physicochemical variation, residue mobility, and thermodynamic stability) has been performed for this missense variant. However, the output from this modeling did not meet the statistical confidence thresholds required to predict the impact of this variant on SDHA protein function. This variant disrupts the p.Arg585 amino acid residue in SDHA. Other variant(s) that disrupt this residue have been determined to be pathogenic (PMID: 25720320, 29177515). This suggests that this residue is clinically significant, and that variants that disrupt this residue are likely to be disease-causing. For these reasons, this variant has been classified as Pathogenic.

Ambry Genetics
Classification: Likely pathogenic for Hereditary cancer-predisposing syndrome. Last evaluated: 2025-12-02. Review status: criteria provided, single submitter. Criteria: Ambry Variant Classification Scheme 2023. Collection method: clinical testing. Allele origin: germline.
Comment: The p.R585Q variant (also known as c.1754G>A), located in coding exon 13 of the SDHA gene, results from a G to A substitution at nucleotide position 1754. The arginine at codon 585 is replaced by glutamine, an amino acid with highly similar properties. This variant has been detected in multiple individuals with paraganglioma or pheochromocytoma (Curr&aacute;s-Freixes M et al. J Med Genet, 2015 Oct;52:647-56; Ben Aim L et al. J Med Genet, 2019 08;56:513-520; Ambry internal data). This alteration has also been reported in an individual with a personal history of a gastrointestinal stromal tumor (GIST) with loss of SDHB on IHC (Pantaleo MA et al. Front Oncol, 2021 Jan;11:778461). Based on internal structural analysis, this variant is anticipated to result in a decrease in structural stability (Inaoka DK et al. Int J Mol Sci, 2015 Jul;16:15287-308). This variant is considered to be rare based on population cohorts in the Genome Aggregation Database (gnomAD). This amino acid position is highly conserved in available vertebrate species. In addition, this alteration is predicted to be deleterious by in silico analysis. Based on the majority of available evidence to date, this variant is likely to be pathogenic.

Dasa
Classification: Likely pathogenic for paragangliomas 5. Last evaluated: 2025-03-14. Review status: criteria provided, single submitter. Criteria: DASA Assertion Criteria. Collection method: clinical testing. Allele origin: germline.
Comment: NM_004168.4(SDHA):c.1754G>A (p.Arg585Gln) is a missense variant that results in the substitution of arginine with glutamine. This variant has been reported in individuals with SDHA-related disorders. Also, this variant is rare in population databases. Based on the currently available evidence, this variant is classified as likely pathogenic.

Myriad Genetics, Inc.
Classification: Likely pathogenic for Pheochromocytoma/paraganglioma syndrome 5. Last evaluated: 2025-02-21. Review status: criteria provided, single submitter. Criteria: Myriad Autosomal Dominant, Autosomal Recessive and X-Linked Classification Criteria (2023). Collection method: clinical testing. Allele origin: unknown.
Comment: This variant is considered likely pathogenic. This variant has been reported in multiple individuals with clinical features of gene-specific disease [PMID: 30877234, 28552549, external communications]. This variant is expected to disrupt protein structure [Myriad internal data].

Baylor Genetics
Classification: Likely pathogenic for Dilated cardiomyopathy 1GG. Last evaluated: 2023-08-01. Review status: criteria provided, single submitter. Criteria: ACMG Guidelines, 2015. Collection method: clinical testing. Allele origin: unknown.

GeneDx
Classification: Likely pathogenic. Last evaluated: 2023-05-16. Review status: criteria provided, single submitter. Criteria: GeneDx Variant Classification Process June 2021. Collection method: clinical testing. Allele origin: germline. Affected: yes.
Comment: In silico analysis supports that this missense variant has a deleterious effect on protein structure/function; Not observed at significant frequency in large population cohorts (gnomAD); This variant is associated with the following publications: (PMID: 35059314, Rutkowski2022CaseReport, 36980917, 30877234, 26269449)

KCCC/NGS Laboratory, Kuwait Cancer Control Center
Classification: Likely pathogenic for Pheochromocytoma/paraganglioma syndrome 5. Last evaluated: 2023-05-03. Review status: criteria provided, single submitter. Criteria: ACMG Guidelines, 2015. Collection method: clinical testing. Allele origin: germline. Inheritance: Autosomal dominant inheritance. Affected: no. Observed: 1 heterozygote.
Comment: This sequence change replaces arginine, which is basic and polar, with glutamine, which is neutral and polar, at codon 585 of the SDHA protein (p.Arg585Gln). This variant is present in population databases (rs752360961, gnomAD 0.003%) also not present in our local database . This amino acid position is highly conserved (PhyloP= 8.84). This missense change has been observed in individuals with paragangliomas and pheochromocytomas or gastrointestinal stromal tumor (PMID: 26269449, 30877234). ClinVar contains an entry for this variant (Variation ID: 239658). In addition, this alteration is predicted to be deleterious by in silico analysis. This variant disrupts the p.Arg585 amino acid residue in SDHA. Other variant(s) that disrupt this residue have been determined to be pathogenic (PMID: 25720320, 29177515). This suggests that this residue is clinically significant, and that variants that disrupt this residue are likely to be disease-causing. For these reasons, this variant has been classified as Likely Pathogenic. A heterozygous mutation in SDHA gene (MIM*600857) associated with neurodegenerative with ataxia and late onset of optic atrophy (MIM#619259) and Paragangliomas 5 (MIM#614165) also associated SDHA-deficient GIST .

Juno Genomics, Hangzhou Juno Genomics, Inc
Classification: Likely pathogenic for Pheochromocytoma/paraganglioma syndrome 5. Review status: criteria provided, single submitter. Criteria: ACMG Guidelines, 2015. Collection method: clinical testing. Allele origin: germline.
Comment: Absent from controls (or at extremely low frequency if recessive) in Genome Aggregation Database.;Multiple lines of computational evidence support a deleterious effect on the gene or gene product.;The prevalence of the variant in affected individuals is significantly increased compared to the prevalence in controls.;Novel missense change at an amino acid residue where a different missense change determined to be pathogenic has been seen before.

Neuberg Centre For Genomic Medicine, NCGM
Classification: Pathogenic for Pheochromocytoma/paraganglioma syndrome 1. Review status: criteria provided, single submitter. Criteria: ACMG Guidelines, 2015. Collection method: clinical testing. Allele origin: germline. Inheritance: Autosomal dominant inheritance. Affected: yes.
Comment: The missense variant c.1754G>A p.Arg585Gln in the SDHA gene has been reported previously in patients affected with Pheochromocytoma and Paraganglioma Ben Aim et al., 2019; van der Tuin et al., 2018. This variant is reported with the allele frequency 0.0007% in the gnomAD Exomes and novel not in any individuals in 1000 Genomes. It is submitted to ClinVar as Pathogenic/ Likely pathogenic/ Uncertain significance. However functional evidence on teh pathogenicity of teh variant is unavailable. The amino acid Arginine at position 585 is changed to a Glutamine changing protein sequence and it might alter its composition and physico-chemical properties. The variant is predicted as damaging by SIFT. The residue is conserved by GERP++ and PhyloP across 100 vertebrates. For these reasons, this variant has been classified as Likely Pathogenic.

Counsyl
Classification: Uncertain significance for Pheochromocytoma/paraganglioma syndrome 5. Last evaluated: 2016-05-23. Review status: no assertion criteria provided. Collection method: clinical testing. Allele origin: unknown. Not counted in ClinVar's aggregate classification.

“Giorgio Prodi” Cancer Research Center, University of Bologna
Classification: Uncertain significance for Gastrointestinal stromal tumor. Last evaluated: 2021-10-01. Review status: flagged submission. Criteria: ACMG Guidelines, 2015. Collection method: research. Allele origin: germline. Affected: yes. Observed: 1 variant allele. Not counted in ClinVar's aggregate classification.
ClinVar note: Reason: Outlier claim with insufficient supporting evidence

Literature cited by the submitters: PubMed 26269449 (cited by 3 submitters); PubMed 30877234 (cited by 3 submitters); PubMed 25720320 (cited by Labcorp Genetics (formerly Invitae), Labcorp); PubMed 29177515 (cited by Labcorp Genetics (formerly Invitae), Labcorp); PubMed 26198225 (cited by Ambry Genetics); PubMed 27390349 (cited by Ambry Genetics); PubMed 35059314 (cited by Ambry Genetics); PubMed 28552549 (cited by Myriad Genetics, Inc.).